The following is an entry in ClinVar:

ClinVar aggregate classification (germline): Likely benign. Review status: criteria provided, multiple submitters, no conflicts (2 of 4 stars). 2 submissions from 2 submitters: Likely benign (2). Last evaluated 2025-07-01.

Allele frequency attached by ClinVar (database versions not stated): gnomAD exomes 0.00009; ESP Exome Variant Server 0.00015.
gnomAD v4.1: 132 of 1,614,132 alleles (0.0082%); highest among the groups gnomAD compares: Middle Eastern, 0.033%; no homozygotes.

Submissions (2):

CeGaT Center for Human Genetics Tuebingen
Classification: Likely benign. Last evaluated: 2025-07-01. Review status: criteria provided, single submitter. Criteria: CeGaT Center For Human Genetics Tuebingen Variant Classification Criteria Version 2. Collection method: clinical testing. Allele origin: germline. Affected: yes. Observed: 2 variant alleles.
Comment: RERE: BP4, BP7

Labcorp Genetics (formerly Invitae), Labcorp
Classification: Likely benign. Last evaluated: 2025-06-13. Review status: criteria provided, single submitter. Criteria: Invitae Variant Classification Sherloc (09022015). Collection method: clinical testing. Allele origin: germline.

NM_001042681.2(RERE):c.969C>T (p.Asn323=)

Gene: RERE (arginine-glutamic acid dipeptide repeats; minus strand). Cytogenetic location: 1p36.23.
Variant type: single nucleotide variant.
Coding change: c.969C>T on transcript NM_001042681.2 (MANE Select); coding-DNA position 969, C replaced by T.
Protein change: p.Asn323=; no amino-acid change (asparagine 323 retained).
Molecular consequence: synonymous variant.
Genome position (GRCh38, 1-based): chr1:8,497,440, G>A on the plus strand (C>T on the coding strand, the complement: RERE is on the minus strand). VCF-style: chr1-8497440-G-A. GRCh37 (hg19) VCF-style: chr1-8557500-G-A.
Other names: c.969C>T, p.Asn323= (NM_012102.4).
Identifiers: ClinVar variation 2178010 (VCV002178010.28), dbSNP rs145265480, ClinGen allele CA571916.